The following is an entry in ClinVar:

NM_001370259.2(MEN1):c.268T>A (p.Tyr90Asn)

Gene: MEN1 (menin 1; minus strand). Cytogenetic location: 11q13.1.
Variant type: single nucleotide variant.
Coding change: c.268T>A on transcript NM_001370259.2 (MANE Select); coding-DNA position 268, T replaced by A.
Protein change: p.Tyr90Asn; replaces tyrosine 90 with asparagine.
Molecular consequence: missense variant.
Genome position (GRCh38, 1-based): chr11:64,809,842, A>T on the plus strand (T>A on the coding strand, the complement: MEN1 is on the minus strand). VCF-style: chr11-64809842-A-T. GRCh37 (hg19) VCF-style: chr11-64577314-A-T.
Other names: c.268T>A, p.Tyr90Asn (NM_001370262.2, NM_001407142.1, NM_001407143.1 and 20 more transcripts); short protein forms Y90N.
Identifiers: ClinVar variation 1794790 (VCV001794790.2), dbSNP rs2136187046, ClinGen allele CA381187522.

ClinVar aggregate classification (germline): Uncertain significance (1 of 4 stars; one submission).

Conditions:
Hereditary cancer-predisposing syndrome. Also called: Tumor predisposition; Hereditary Cancer Syndrome; Neoplastic Syndromes, Hereditary; Hereditary neoplastic syndrome. Identifiers: Orphanet 140162, MedGen C0027672, MeSH D009386, MONDO:0015356.

Submission:

Ambry Genetics
Classification: Uncertain significance for Hereditary cancer-predisposing syndrome. Last evaluated: 2022-03-19. Review status: criteria provided, single submitter. Criteria: Ambry Variant Classification Scheme 2023. Collection method: clinical testing. Allele origin: germline.
Comment: The p.Y90N variant (also known as c.268T>A), located in coding exon 1 of the MEN1 gene, results from a T to A substitution at nucleotide position 268. The tyrosine at codon 90 is replaced by asparagine, an amino acid with dissimilar properties. This amino acid position is conserved. In addition, this alteration is predicted to be deleterious by in silico analysis. Since supporting evidence is limited at this time, the clinical significance of this alteration remains unclear.